The following is an entry in ClinVar:

ClinVar aggregate classification (germline): Uncertain significance (1 of 4 stars; one submission).

Allele frequency attached by ClinVar (database versions not stated): ExAC 0.00001; gnomAD exomes 0.00001; gnomAD 0.00002.
gnomAD v4.1: 17 of 1,613,744 alleles (0.0011%); highest among the groups gnomAD compares: Non-Finnish European, 0.0014%; no homozygotes.

Submission:

Labcorp Genetics (formerly Invitae), Labcorp
Classification: Uncertain significance. Last evaluated: 2023-04-30. Review status: criteria provided, single submitter. Criteria: Invitae Variant Classification Sherloc (09022015). Collection method: clinical testing. Allele origin: germline.
Comment: In summary, the available evidence is currently insufficient to determine the role of this variant in disease. Therefore, it has been classified as a Variant of Uncertain Significance. An algorithm developed to predict the effect of missense changes on protein structure and function (PolyPhen-2) suggests that this variant is likely to be disruptive. This missense change has been observed in individual(s) with neurodevelopmental disorders (PMID: 28191889). This variant is present in population databases (rs766919105, gnomAD 0.004%). This sequence change replaces serine, which is neutral and polar, with asparagine, which is neutral and polar, at codon 1496 of the RIMS1 protein (p.Ser1496Asn).

Literature cited by the submitters: PubMed 28191889.

NM_014989.7(RIMS1):c.4487G>A (p.Ser1496Asn)

Genes: RIMS1 (regulating synaptic membrane exocytosis 1; plus strand), LOC129389554 (MPRA-validated peak5890 silencer; plus strand). Cytogenetic location: 6q13.
Variant type: single nucleotide variant.
Coding change: c.4487G>A on transcript NM_014989.7 (MANE Select); coding-DNA position 4487, G replaced by A.
Protein change: p.Ser1496Asn; replaces serine 1496 with asparagine.
Molecular consequence: missense variant.
Genome position (GRCh38, 1-based): chr6:72,390,718, G>A. VCF-style: chr6-72390718-G-A. GRCh37 (hg19) VCF-style: chr6-73100420-G-A.
Other names: c.1895G>A, p.Ser632Asn (NM_001350470.2); c.2288G>A, p.Ser763Asn (NM_001350471.2); c.1814G>A, p.Ser605Asn (NM_001350472.2); c.1817G>A, p.Ser606Asn (NM_001350473.2); c.2180G>A, p.Ser727Asn (NM_001350474.2); c.2630G>A, p.Ser877Asn (NM_001350456.2); c.2387G>A, p.Ser796Asn (NM_001350457.2); c.2456G>A, p.Ser819Asn (NM_001350458.2); and 54 more; short protein forms S540N, S570N, S621N, S660N, S672N, S705N, S713N, S736N.
Identifiers: ClinVar variation 2982944 (VCV002982944.3), dbSNP rs766919105, ClinGen allele CA3886518.